The following is an entry in ClinVar:

ClinVar aggregate classification (germline): Likely benign. Review status: criteria provided, multiple submitters, no conflicts (2 of 4 stars). 5 submissions from 5 submitters: Likely benign (4). 1 of the submissions does not count toward it. Last evaluated 2026-02-03.

Conditions:
Colorectal cancer, susceptibility to, 12 (CRCS12). Also called: COLORECTAL CANCER, SUSCEPTIBILITY TO, ON CHROMOSOME 12q24. Identifiers: Orphanet 220460, MedGen C3554460, MONDO:0014038, OMIM 615083.

Submissions (5):

Labcorp Genetics (formerly Invitae), Labcorp
Classification: Likely benign. Last evaluated: 2026-02-03. Review status: criteria provided, single submitter. Criteria: Invitae Variant Classification Sherloc (09022015). Collection method: clinical testing. Allele origin: germline.

Center for Genomic Medicine, Rigshospitalet, Copenhagen University Hospital
Classification: Likely benign. Last evaluated: 2025-03-04. Review status: criteria provided, single submitter. Criteria: ACMG Guidelines, 2015. Collection method: clinical testing. Allele origin: germline.

Blueprint Genetics
Classification: Likely benign. Last evaluated: 2024-11-04. Review status: criteria provided, single submitter. Criteria: ACMG Guidelines, 2015. Collection method: clinical testing. Allele origin: germline.

GeneDx
Classification: Likely benign. Last evaluated: 2017-08-04. Review status: criteria provided, single submitter. Criteria: GeneDx Variant Classification (06012015). Collection method: clinical testing. Allele origin: germline. Affected: yes.
Comment: This variant is considered likely benign or benign based on one or more of the following criteria: it is a conservative change, it occurs at a poorly conserved position in the protein, it is predicted to be benign by multiple in silico algorithms, and/or has population frequency not consistent with disease.

Counsyl
Classification: Likely benign for Colorectal cancer, susceptibility to, 12. Last evaluated: 2016-08-18. Review status: no assertion criteria provided. Collection method: clinical testing. Allele origin: unknown. Not counted in ClinVar's aggregate classification.

NM_006231.4(POLE):c.4952+20_4952+22del

Gene: POLE (DNA polymerase epsilon, catalytic subunit; minus strand). Cytogenetic location: 12q24.33.
Variant type: Deletion.
Coding change: c.4952+20_4952+22del on transcript NM_006231.4 (MANE Select); bases 20 to 22 of the intron after coding-DNA position 4952, 3 bases deleted (TGT; older notation c.4952+20_4952+22delTGT).
Molecular consequence: intron variant.
Genome position (GRCh38, 1-based): chr12:132,642,484-132,642,486, ACA deleted on the plus strand (TGT on the coding strand, the reverse complement: POLE is on the minus strand); deleting any 3 consecutive bases within chr12:132,642,484-132,642,488 gives the same sequence; the c. name uses the placement nearest the transcript's 3' end. VCF-style (leftmost placement, unchanged base first): chr12-132642483-CACA-C. GRCh37 (hg19) VCF-style: chr12-133219069-CACA-C.
Other names: c.4952+20_4952+22delTGT (NM_006231.2, NM_006231.4).
Identifiers: ClinVar variation 371927 (VCV000371927.18), dbSNP rs752389775, ClinGen allele CA6892668.